The following is an entry in ClinVar:

ClinVar aggregate classification (germline): Likely benign (1 of 4 stars; one submission).

gnomAD v4.1: 3,988 of 1,551,642 alleles (0.26%); highest among the groups gnomAD compares: Non-Finnish European, 0.31%; 6 homozygotes.

Submission:

CeGaT Center for Human Genetics Tuebingen
Classification: Likely benign. Last evaluated: 2025-10-01. Review status: criteria provided, single submitter. Criteria: CeGaT Center For Human Genetics Tuebingen Variant Classification Criteria Version 2. Collection method: clinical testing. Allele origin: germline. Affected: yes. Observed: 2 variant alleles.
Comment: INSYN2B: BP4, BP7

NM_001129891.3(INSYN2B):c.801C>T (p.His267=)

Genes: DOCK2 (dedicator of cytokinesis 2; plus strand), INSYN2B (inhibitory synaptic factor family member 2B; minus strand). Cytogenetic location: 5q35.1.
Variant type: single nucleotide variant.
Coding change: c.801C>T on transcript NM_001129891.3 (MANE Select); coding-DNA position 801, C replaced by T.
Protein change: p.His267=; no amino-acid change (histidine 267 retained).
Molecular consequence: synonymous variant. On other transcripts: intron variant (1).
Genome position (GRCh38, 1-based): chr5:169,883,098, G>A on the plus strand (C>T on the coding strand, the complement: INSYN2B is on the minus strand). VCF-style: chr5-169883098-G-A. GRCh37 (hg19) VCF-style: chr5-169310102-G-A.
Other names: c.801C>T, p.His267= (NM_001346304.2); c.2799+42246G>A (NM_004946.3).
Identifiers: ClinVar variation 3387910 (VCV003387910.14).
Genomic context (GRCh38, chr5:169,883,098, plus strand): 5'-GTCATCTGAGTTGTCTTTGGGCAAAAGCAATTCAGGTTTAAGTTCCTCTGTGCCTGGTGT[G>A]TGGCTGGCAACGCTGGTGGCATTTAAGCAGGAGGTGGATTTTTCTGAATCTAGTGGAGTC-3'
Protein context (NP_001123363.1, residues 257-277): SCLNATSVAS[His267=]TPGTEELKPE